The following is an entry in ClinVar:

NM_013328.4(PYCR2):c.139-7_139-6del

Gene: PYCR2 (pyrroline-5-carboxylate reductase 2; minus strand). Cytogenetic location: 1q42.12.
Variant type: Microsatellite.
Coding change: c.139-7_139-6del on transcript NM_013328.4 (MANE Select); 7 bases into the intron before coding-DNA position 139 through 6 bases into the intron before coding-DNA position 139, 2 bases deleted (CT; older notation c.139-7_139-6delCT).
Molecular consequence: intron variant.
Genome position (GRCh38, 1-based): chr1:225,922,389-225,922,390, AG deleted on the plus strand (CT on the coding strand, the reverse complement: PYCR2 is on the minus strand); deleting any 2 consecutive bases within chr1:225,922,389-225,922,392 gives the same sequence; the c. name uses the placement nearest the transcript's 3' end. VCF-style (leftmost placement, unchanged base first): chr1-225922388-AAG-A. GRCh37 (hg19) VCF-style: chr1-226110088-AAG-A.
Other names: NC_000001.10:g.226110091_226110092del; c.139-7_139-6del (NM_001271681.2); c.139-9_139-8del (NM_013328.4); c.139-7_139-6delCT (NM_013328.3).
Identifiers: ClinVar variation 786998 (VCV000786998.16), dbSNP rs146634256, ClinGen allele CA1420318.
Genomic context (GRCh38, chr1:225,922,388, plus strand): 5'-ACGTCGCTGTGCTTCACCGTCTCCTTGTTGCTGCGTGTCAGGTTCACACCCATCTTCTGC[AAG>A]AGGAGACTCCCAGCTCACAGTGCTGGAGCAGCCTGGCTATGCCAAGGCCTCCCAGGGAGC-3'

ClinVar aggregate classification (germline): Benign/Likely benign. Review status: criteria provided, multiple submitters, no conflicts (2 of 4 stars). 4 submissions from 4 submitters: Benign (2); Likely benign (2). Last evaluated 2026-06-23.

Conditions:
PYCR2-related disorder. Also called: PYCR2-related condition.

Submissions (5):

PreventionGenetics, part of Exact Sciences
Classification: Benign for PYCR2-related condition. Last evaluated: 2026-06-23. Review status: criteria provided, single submitter. Criteria: ACMG Guidelines, 2015. Collection method: clinical testing. Allele origin: germline.
Comment: This variant is classified as benign based on ACMG/AMP sequence variant interpretation guidelines (Richards et al. 2015 PMID: 25741868, with internal and published modifications).

Labcorp Genetics (formerly Invitae), Labcorp
Classification: Benign. Last evaluated: 2026-01-26. Review status: criteria provided, single submitter. Criteria: Invitae Variant Classification Sherloc (09022015). Collection method: clinical testing. Allele origin: germline.

Blueprint Genetics
Classification: Likely benign. Last evaluated: 2024-10-24. Review status: criteria provided, single submitter. Criteria: ACMG Guidelines, 2015. Collection method: clinical testing. Allele origin: germline.

Genetic Services Laboratory, University of Chicago
Classification: Likely benign. Last evaluated: 2021-07-26. Review status: criteria provided, single submitter. Criteria: ACMG Guidelines, 2015. Collection method: clinical testing. Allele origin: germline. Affected: no.

Dr. Peter K. Rogan Lab, Western University
No classification provided (evidence only). Condition: Colon adenocarcinoma. Review status: no classification provided. Collection method: in vitro. Allele origin: not applicable. Functional consequence: skipped exon. Not counted in ClinVar's aggregate classification.